The following is an entry in ClinVar:

NM_005909.5(MAP1B):c.6251T>C (p.Leu2084Pro)

Gene: MAP1B (microtubule associated protein 1B; plus strand). Cytogenetic location: 5q13.2.
Variant type: single nucleotide variant.
Coding change: c.6251T>C on transcript NM_005909.5 (MANE Select); coding-DNA position 6251, T replaced by C.
Protein change: p.Leu2084Pro; replaces leucine 2084 with proline.
Molecular consequence: missense variant.
Genome position (GRCh38, 1-based): chr5:72,199,606, T>C. VCF-style: chr5-72199606-T-C. GRCh37 (hg19) VCF-style: chr5-71495433-T-C.
Other names: c.5873T>C, p.Leu1958Pro (NM_001324255.2); short protein forms L1958P, L2084P.
Identifiers: ClinVar variation 4814087 (VCV004814087.1).

ClinVar aggregate classification (germline): Uncertain significance (1 of 4 stars; one submission).

Conditions:
Periventricular nodular heterotopia 9. Identifiers: MedGen C5394503, MONDO:0030061, OMIM 618918.

Submission:

OLLIN Analises Genomicas, OLLIN
Classification: Uncertain significance for Periventricular nodular heterotopia 9. Last evaluated: 2026-02-13. Review status: criteria provided, single submitter. Criteria: ACMG Guidelines 2015 PMID 25741868. Collection method: clinical testing. Allele origin: germline. Observed: 1 variant allele.
Comment: PM2_P